The following is an entry in ClinVar:

NM_000051.4(ATM):c.5918+7G>T

Genes: ATM (ATM serine/threonine kinase; plus strand), C11orf65 (chromosome 11 open reading frame 65; minus strand). Cytogenetic location: 11q22.3.
Variant type: single nucleotide variant.
Coding change: c.5918+7G>T on transcript NM_000051.4 (MANE Select); 7 bases into the intron after coding-DNA position 5918, G replaced by T.
Molecular consequence: intron variant.
Genome position (GRCh38, 1-based): chr11:108,310,322, G>T. VCF-style: chr11-108310322-G-T. GRCh37 (hg19) VCF-style: chr11-108181049-G-T.
Other names: c.5918+7G>T (NM_001351834.2); c.641-1251C>A (NM_001330368.2); c.*39-1251C>A (NM_001351110.2).
Identifiers: ClinVar variation 3076158 (VCV003076158.1), dbSNP rs1423323603, ClinGen allele CA2615857194.
Genomic context (GRCh38, chr11:108,310,322, plus strand): 5'-ACTCTATGCAGAAATCTATGCAGATAAGAAAAGTATGGATGATCAAGAGAAAAGGTAATG[G>T]AATTTAGAATTTTTGGTTTTTAAAATTAATGTTGGCATTGTCTCAATAAGGGTATATAGT-3'

ClinVar aggregate classification (germline): Uncertain significance (1 of 4 stars; one submission).

Conditions:
Hereditary cancer-predisposing syndrome. Also called: Tumor predisposition; Hereditary Cancer Syndrome; Hereditary neoplastic syndrome; Neoplastic Syndromes, Hereditary. Identifiers: Orphanet 140162, MedGen C0027672, MeSH D009386, MONDO:0015356.

Submission:

Ambry Genetics
Classification: Uncertain significance for Hereditary cancer-predisposing syndrome. Last evaluated: 2015-03-12. Review status: criteria provided, single submitter. Criteria: Ambry Variant Classification Scheme 2023. Collection method: clinical testing. Allele origin: germline.
Comment: The c.5918+7G>T intronic alteration consists of a G to T substitution nucleotides after coding exon 38 in the ATM gene. Based on insufficient or conflicting evidence, the clinical significance of this alteration remains unclear.